The following is an entry in ClinVar:

NM_001011.4(RPS7):c.142G>T (p.Ala48Ser)

Gene: RPS7 (ribosomal protein S7; plus strand). Cytogenetic location: 2p25.3.
Variant type: single nucleotide variant.
Coding change: c.142G>T on transcript NM_001011.4 (MANE Select); coding-DNA position 142, G replaced by T.
Protein change: p.Ala48Ser; replaces alanine 48 with serine.
Molecular consequence: missense variant.
Genome position (GRCh38, 1-based): chr2:3,575,883, G>T. VCF-style: chr2-3575883-G-T. GRCh37 (hg19) VCF-style: chr2-3623473-G-T.
Other names: short protein forms A48S.
Identifiers: ClinVar variation 2916645 (VCV002916645.3), dbSNP rs746170084, ClinGen allele CA1516566.
Genomic context (GRCh38, chr2:3,575,883, plus strand): 5'-CTGGAGCTGGAGATGAACTCGGACCTCAAGGCTCAGCTCAGGGAGCTGAATATTACGGCA[G>T]CTAAGGTAAGCTGGCGCTCCCTCGGCTGGGAGGGAGGTTGCGGCGCGTCTCCCCGCGCAG-3'
Protein context (NP_001002.1, residues 38-58): AQLRELNITA[Ala48Ser]KEIEVGGGRK

ClinVar aggregate classification (germline): Uncertain significance (1 of 4 stars; one submission).

Conditions:
Diamond-Blackfan anemia 8 (DBA8). Also called: RPS7-Related Diamond-Blackfan Anemia. Identifiers: Orphanet 124, MedGen C2675511, MONDO:0012939, OMIM 612563.

Allele frequency attached by ClinVar (database versions not stated): gnomAD exomes below 0.00001; gnomAD 0.00001; ExAC 0.00005.
gnomAD v4.1: 5 of 1,606,502 alleles (0.00031%); highest among the groups gnomAD compares: East Asian, 0.011%; no homozygotes.

Submission:

Labcorp Genetics (formerly Invitae), Labcorp
Classification: Uncertain significance for Diamond-Blackfan anemia 8. Last evaluated: 2024-04-15. Review status: criteria provided, single submitter. Criteria: Invitae Variant Classification Sherloc (09022015). Collection method: clinical testing. Allele origin: germline.
Comment: This sequence change replaces alanine, which is neutral and non-polar, with serine, which is neutral and polar, at codon 48 of the RPS7 protein (p.Ala48Ser). This variant is present in population databases (rs746170084, gnomAD 0.04%). This variant has not been reported in the literature in individuals affected with RPS7-related conditions. An algorithm developed to predict the effect of missense changes on protein structure and function (PolyPhen-2) suggests that this variant is likely to be tolerated. In summary, the available evidence is currently insufficient to determine the role of this variant in disease. Therefore, it has been classified as a Variant of Uncertain Significance.